The following is an entry in ClinVar:

ClinVar aggregate classification (germline): Uncertain significance (1 of 4 stars; one submission).

gnomAD v4.1: 22 of 1,613,712 alleles (0.0014%); highest among the groups gnomAD compares: Non-Finnish European, 0.0018%; no homozygotes.

Submission:

Labcorp Genetics (formerly Invitae), Labcorp
Classification: Uncertain significance. Last evaluated: 2023-03-08. Review status: criteria provided, single submitter. Criteria: Invitae Variant Classification Sherloc (09022015). Collection method: clinical testing. Allele origin: germline.
Comment: In summary, the available evidence is currently insufficient to determine the role of this variant in disease. Therefore, it has been classified as a Variant of Uncertain Significance. Advanced modeling of protein sequence and biophysical properties (such as structural, functional, and spatial information, amino acid conservation, physicochemical variation, residue mobility, and thermodynamic stability) performed at Invitae indicates that this missense variant is not expected to disrupt CPLANE1 protein function. This variant has not been reported in the literature in individuals affected with CPLANE1-related conditions. This variant is present in population databases (rs756411183, gnomAD 0.002%). This sequence change replaces asparagine, which is neutral and polar, with histidine, which is basic and polar, at codon 2642 of the CPLANE1 protein (p.Asn2642His).

NM_001384732.1(CPLANE1):c.7978A>C (p.Asn2660His)

Gene: CPLANE1 (ciliogenesis and planar polarity effector complex subunit 1; minus strand). Cytogenetic location: 5p13.2.
Variant type: single nucleotide variant.
Coding change: c.7978A>C on transcript NM_001384732.1 (MANE Select); coding-DNA position 7978, A replaced by C.
Protein change: p.Asn2660His; replaces asparagine 2660 with histidine.
Molecular consequence: missense variant.
Genome position (GRCh38, 1-based): chr5:37,157,703, T>G on the plus strand (A>C on the coding strand, the complement: CPLANE1 is on the minus strand). VCF-style: chr5-37157703-T-G. GRCh37 (hg19) VCF-style: chr5-37157805-T-G.
Other names: c.7924A>C, p.Asn2642His (NM_023073.4); short protein forms N2642H, N2660H.
Identifiers: ClinVar variation 2911879 (VCV002911879.1), dbSNP rs756411183, ClinGen allele CA3237905.